The following is an entry in ClinVar:

ClinVar aggregate classification (germline): Uncertain significance (1 of 4 stars; one submission).

Conditions:
FG syndrome 4 (FGS4). Identifiers: MedGen C1845546, MONDO:0010318, OMIM 300422.

gnomAD v4.1: 1 of 111,534 alleles (0.0009%); highest among the groups gnomAD compares: Non-Finnish European, 0.0019%; no homozygotes.

Submission:

3billion
Classification: Uncertain significance for FG syndrome 4. Last evaluated: 2025-06-04. Review status: criteria provided, single submitter. Criteria: ACMG Guidelines, 2015. Collection method: clinical testing. Allele origin: germline. Affected: yes.
Comment: The variant is observed at an extremely low frequency in the gnomAD v4.1.0 dataset (total allele frequency: <0.001%). Predicted Consequence/Location: Intron variant In silico tools predict the variant to alter splicing and produce an abnormal transcript [SpliceAI: 0.31 (>=0.2, moderate evidence for spliceogenicity)]. Therefore, this variant is classified as VUS according to the recommendation of ACMG/AMP guideline.

NM_001367721.1(CASK):c.60-702G>A

Gene: CASK (calcium/calmodulin dependent serine protein kinase; minus strand). Cytogenetic location: Xp11.4.
Variant type: single nucleotide variant.
Coding change: c.60-702G>A on transcript NM_001367721.1 (MANE Select); 702 bases into the intron before coding-DNA position 60, G replaced by A.
Molecular consequence: intron variant.
Genome position (GRCh38, 1-based): chrX:41,853,929, C>T on the plus strand (G>A on the coding strand, the complement: CASK is on the minus strand). VCF-style: chrX-41853929-C-T. GRCh37 (hg19) VCF-style: chrX-41713182-C-T.
Other names: c.60-702G>A (NM_001126055.3, NM_001410745.1, NM_001126054.3 and 1 more transcripts).
Identifiers: ClinVar variation 4854793 (VCV004854793.1).
Genomic context (GRCh38, chrX:41,853,929, plus strand): 5'-CAGTCCAAGTCAAGAACCAAAATATATAAGTAACTTGTAAATACAATAAGAAAAAAAACA[C>T]ACTCCAATAAAATCTGGGCAAAAGACTTGAACAAACACTTTACAAAGAGAAAGGCCTGCG-3'